The following is an entry in ClinVar:

ClinVar aggregate classification (germline): Pathogenic. Review status: criteria provided, multiple submitters, no conflicts (2 of 4 stars). 2 submissions from 2 submitters: Pathogenic (2). Last evaluated 2026-01-18.

Conditions:
Cardiovascular phenotype. Identifiers: MedGen CN230736.
Hereditary cancer-predisposing syndrome. Also called: Neoplastic Syndromes, Hereditary; Hereditary Cancer Syndrome; Hereditary neoplastic syndrome; Tumor predisposition. Identifiers: Orphanet 140162, MedGen C0027672, MeSH D009386, MONDO:0015356.

Allele frequency attached by ClinVar (database versions not stated): TOPMed 0.00001.
gnomAD v4.1: 11 of 1,613,576 alleles (0.00068%); highest among the groups gnomAD compares: South Asian, 0.0022%; no homozygotes.

Submissions (2):

Labcorp Genetics (formerly Invitae), Labcorp
Classification: Pathogenic. Last evaluated: 2026-01-18. Review status: criteria provided, single submitter. Criteria: Invitae Variant Classification Sherloc (09022015). Collection method: clinical testing. Allele origin: germline.
Comment: This sequence change creates a premature translational stop signal (p.Tyr749*) in the LZTR1 gene. It is expected to result in an absent or disrupted protein product. Loss-of-function variants in LZTR1 are known to be pathogenic (PMID: 24362817, 25335493, 25480913, 25795793, 29469822, 30368668, 30442762, 30442766, 30481304, 30859559). This variant is present in population databases (rs779077819, gnomAD 0.003%). This premature translational stop signal has been observed in individual(s) with schwannomatosis (PMID: 25008767). ClinVar contains an entry for this variant (Variation ID: 1457728). Algorithms developed to predict the effect of sequence changes on RNA splicing suggest that this variant may create or strengthen a splice site. For these reasons, this variant has been classified as Pathogenic.

Ambry Genetics
Classification: Pathogenic for Cardiovascular phenotype; Hereditary cancer-predisposing syndrome. Last evaluated: 2024-10-18. Review status: criteria provided, single submitter. Criteria: Ambry Variant Classification Scheme 2023. Collection method: clinical testing. Allele origin: germline.
Comment: The p.Y749* pathogenic mutation (also known as c.2247C>A), located in coding exon 19 of the LZTR1 gene, results from a C to A substitution at nucleotide position 2247. This changes the amino acid from a tyrosine to a stop codon within coding exon 19. Loss-of-function variants in LZTR1 are related to an increased risk for schwannomas and autosomal recessive Noonan syndrome; however, such associations with autosomal dominant Noonan syndrome have not been observed (Piotrowski A et al. Nat Genet. 2014 Feb;46:182-7; Yamamoto GL et al. J Med Genet. 2015 Jun;52:413-21; Johnston JJ et al. Genet Med. 2018 10;20:1175-1185). Based on the supporting evidence, this variant is pathogenic for an increased risk of LZTR1-related schwannomatosis (SWN) and would be expected to cause autosomal recessive Noonan syndrome when present along with a second pathogenic or likely pathogenic variant on the other allele; however, the association of this alteration with autosomal dominant Noonan syndrome is unlikely.

Literature cited by the submitters: PubMed 24362817 (cited by Labcorp Genetics (formerly Invitae), Labcorp); PubMed 25335493 (cited by Labcorp Genetics (formerly Invitae), Labcorp); PubMed 25480913 (cited by Labcorp Genetics (formerly Invitae), Labcorp); PubMed 25795793 (cited by Labcorp Genetics (formerly Invitae), Labcorp); PubMed 29469822 (cited by Labcorp Genetics (formerly Invitae), Labcorp); PubMed 30368668 (cited by Labcorp Genetics (formerly Invitae), Labcorp); PubMed 30442762 (cited by Labcorp Genetics (formerly Invitae), Labcorp); PubMed 30442766 (cited by Labcorp Genetics (formerly Invitae), Labcorp); PubMed 30481304 (cited by Labcorp Genetics (formerly Invitae), Labcorp); PubMed 30859559 (cited by Labcorp Genetics (formerly Invitae), Labcorp); PubMed 25008767 (cited by Labcorp Genetics (formerly Invitae), Labcorp and Ambry Genetics); PubMed 27472264 (cited by Ambry Genetics); PubMed 30006736 (cited by Ambry Genetics); PubMed 31980526 (cited by Ambry Genetics).

NM_006767.4(LZTR1):c.2247C>A (p.Tyr749Ter)

Gene: LZTR1 (leucine zipper like post translational regulator 1; plus strand). Cytogenetic location: 22q11.21.
Variant type: single nucleotide variant.
Coding change: c.2247C>A on transcript NM_006767.4 (MANE Select); coding-DNA position 2247, C replaced by A.
Protein change: p.Tyr749Ter; replaces tyrosine 749 with a stop codon.
Molecular consequence: nonsense.
Genome position (GRCh38, 1-based): chr22:20,996,723, C>A. VCF-style: chr22-20996723-C-A. GRCh37 (hg19) VCF-style: chr22-21351012-C-A.
Other names: short protein forms Y749*.
Identifiers: ClinVar variation 1457728 (VCV001457728.9), dbSNP rs779077819, ClinGen allele CA10119316.